The following is an entry in ClinVar:

ClinVar aggregate classification (germline): Likely benign. Review status: criteria provided, multiple submitters, no conflicts (2 of 4 stars). 3 submissions from 3 submitters: Likely benign (2). 1 of the submissions does not count toward it. Last evaluated 2025-08-29.

Conditions:
PHIP-related disorder. Also called: PHIP-related condition; PHIP-related disorders.

Allele frequency attached by ClinVar (database versions not stated): ExAC 0.00002; gnomAD exomes 0.00003; TOPMed 0.00004; gnomAD 0.00007.
gnomAD v4.1: 47 of 1,552,782 alleles (0.003%); highest among the groups gnomAD compares: Non-Finnish European, 0.0039%; no homozygotes.

Submissions (3):

Labcorp Genetics (formerly Invitae), Labcorp
Classification: Likely benign. Last evaluated: 2025-08-29. Review status: criteria provided, single submitter. Criteria: Invitae Variant Classification Sherloc (09022015). Collection method: clinical testing. Allele origin: germline.

CeGaT Center for Human Genetics Tuebingen
Classification: Likely benign. Last evaluated: 2025-01-01. Review status: criteria provided, single submitter. Criteria: CeGaT Center For Human Genetics Tuebingen Variant Classification Criteria Version 2. Collection method: clinical testing. Allele origin: germline. Affected: yes. Observed: 1 variant allele.
Comment: PHIP: BP4, BP7

PreventionGenetics, part of Exact Sciences
Classification: Likely benign for PHIP-related condition. Last evaluated: 2024-08-06. Review status: no assertion criteria provided. Collection method: clinical testing. Allele origin: germline. Not counted in ClinVar's aggregate classification.
Comment: This variant is classified as likely benign based on ACMG/AMP sequence variant interpretation guidelines (Richards et al. 2015 PMID: 25741868, with internal and published modifications).

NM_017934.7(PHIP):c.3753C>T (p.Phe1251=)

Genes: IRAK1BP1 (interleukin 1 receptor associated kinase 1 binding protein 1; plus strand), PHIP (PHIP subunit of CUL4-Ring ligase complex; minus strand). Cytogenetic location: 6q14.1.
Variant type: single nucleotide variant.
Coding change: c.3753C>T on transcript NM_017934.7 (MANE Select); coding-DNA position 3753, C replaced by T.
Protein change: p.Phe1251=; no amino-acid change (phenylalanine 1251 retained).
Molecular consequence: synonymous variant.
Genome position (GRCh38, 1-based): chr6:78,958,504, G>A on the plus strand (C>T on the coding strand, the complement: PHIP is on the minus strand). VCF-style: chr6-78958504-G-A. GRCh37 (hg19) VCF-style: chr6-79668221-G-A.
Other names: c.3753C>T (NM_017934.6).
Identifiers: ClinVar variation 2142355 (VCV002142355.18), dbSNP rs199754926, ClinGen allele CA3899627.